The following is an entry in ClinVar:

ClinVar aggregate classification (germline): Likely pathogenic (1 of 4 stars; one submission).

Conditions:
Dilated cardiomyopathy 1DD (CMD1DD). Identifiers: Orphanet 154, MedGen C2750995, MONDO:0013168, OMIM 613172.

Submission:

Juno Genomics, Hangzhou Juno Genomics, Inc
Classification: Likely pathogenic for Dilated cardiomyopathy 1DD. Review status: criteria provided, single submitter. Criteria: ACMG Guidelines, 2015. Collection method: clinical testing. Allele origin: germline.
Comment: Absent from controls (or at extremely low frequency if recessive) in Genome Aggregation Database.;Null variant in a gene where loss of function (LOF) is a known mechanism of disease.

NM_001134363.3(RBM20):c.2021del (p.Asp674fs)

Gene: RBM20 (RNA binding motif protein 20; plus strand). Cytogenetic location: 10q25.2.
Variant type: Deletion.
Coding change: c.2021del on transcript NM_001134363.3 (MANE Select); coding-DNA position 2021, one base deleted (A; older notation c.2021delA).
Protein change: p.Asp674fs; shifts the reading frame from aspartic acid 674.
Molecular consequence: frameshift variant.
Genome position (GRCh38, 1-based): chr10:110,812,418, A deleted. VCF-style (leftmost placement, unchanged base first): chr10-110812417-GA-G. GRCh37 (hg19) VCF-style: chr10-112572175-GA-G.
Other names: short protein forms D674fs.
Identifiers: ClinVar variation 3381929 (VCV003381929.3).